The following is an entry in ClinVar:

ClinVar aggregate classification (germline): Uncertain significance (1 of 4 stars; one submission).

Submission:

GeneDx
Classification: Uncertain significance. Last evaluated: 2019-09-24. Review status: criteria provided, single submitter. Criteria: GeneDx Variant Classification Process June 2021. Collection method: clinical testing. Allele origin: germline. Affected: yes.
Comment: Has not been previously published as pathogenic or benign to our knowledge; Not observed in large population cohorts (Lek et al., 2016); In silico analysis, which includes protein predictors and evolutionary conservation, supports that this variant does not alter protein structure/function

NM_001077653.2(TBX20):c.677A>G (p.Lys226Arg)

Gene: TBX20 (T-box transcription factor 20; minus strand). Cytogenetic location: 7p14.2.
Variant type: single nucleotide variant.
Coding change: c.677A>G on transcript NM_001077653.2 (MANE Select); coding-DNA position 677, A replaced by G.
Protein change: p.Lys226Arg; replaces lysine 226 with arginine.
Molecular consequence: missense variant.
Genome position (GRCh38, 1-based): chr7:35,241,015, T>C on the plus strand (A>G on the coding strand, the complement: TBX20 is on the minus strand). VCF-style: chr7-35241015-T-C. GRCh37 (hg19) VCF-style: chr7-35280627-T-C.
Other names: c.677A>G, p.Lys226Arg (NM_001166220.1); short protein forms K226R.
Identifiers: ClinVar variation 1308800 (VCV001308800.2), dbSNP rs2128714671, ClinGen allele CA367264188.